The following is an entry in ClinVar:

ClinVar aggregate classification (germline): Conflicting classifications of pathogenicity. Review status: criteria provided, conflicting classifications (1 of 4 stars). 8 submissions from 8 submitters: Uncertain significance (1); Likely benign (6). 1 of the submissions does not count toward it. Last evaluated 2026-01-26.

Conditions:
Hereditary cancer-predisposing syndrome. Also called: Tumor predisposition; Hereditary Cancer Syndrome; Neoplastic Syndromes, Hereditary; Hereditary neoplastic syndrome. Identifiers: Orphanet 140162, MedGen C0027672, MeSH D009386, MONDO:0015356.
Microcephaly, normal intelligence and immunodeficiency (NBS). Also called: IMMUNODEFICIENCY, MICROCEPHALY, AND CHROMOSOMAL INSTABILITY; SEEMANOVA SYNDROME II; Nijmegen breakage syndrome; Microcephaly with normal intelligence immunodeficiency and lymphoreticular malignancies; Nonsyndromal microcephaly autosomal recessive with normal intelligence; Seemanova syndrome 2. Identifiers: Orphanet 647, MedGen C0398791, MONDO:0009623, OMIM 251260.

Allele frequency attached by ClinVar (database versions not stated): TOPMed below 0.00001; gnomAD 0.00001 and 0.00005; gnomAD exomes 0.00005 and 0.00015; ExAC 0.00016; 1000 Genomes Project 0.00020; 1000 Genomes Project 30x 0.00031.
gnomAD v4.1: 86 of 1,613,894 alleles (0.0053%); highest among the groups gnomAD compares: South Asian, 0.085%; 2 homozygotes.

Submissions (8):

Labcorp Genetics (formerly Invitae), Labcorp
Classification: Likely benign for Microcephaly, normal intelligence and immunodeficiency. Last evaluated: 2026-01-26. Review status: criteria provided, single submitter. Criteria: Invitae Variant Classification Sherloc (09022015). Collection method: clinical testing. Allele origin: germline.

Quest Diagnostics Nichols Institute San Juan Capistrano
Classification: Likely benign. Last evaluated: 2025-07-02. Review status: criteria provided, single submitter. Criteria: Quest Diagnostics criteria. Collection method: clinical testing. Allele origin: unknown.

Genome-Nilou Lab
Classification: Likely benign for Microcephaly, normal intelligence and immunodeficiency. Last evaluated: 2021-11-07. Review status: criteria provided, single submitter. Criteria: ACMG Guidelines, 2015. Collection method: clinical testing. Allele origin: germline. Affected: no.

Sema4
Classification: Likely benign for Hereditary cancer-predisposing syndrome. Last evaluated: 2021-05-28. Review status: criteria provided, single submitter. Criteria: Sema4 Curation Guidelines. Collection method: curation. Allele origin: germline.

GeneDx
Classification: Likely benign. Last evaluated: 2019-08-21. Review status: criteria provided, single submitter. Criteria: GeneDx Variant Classification Process June 2021. Collection method: clinical testing. Allele origin: germline. Affected: yes.
Comment: In silico analysis, which includes protein predictors and evolutionary conservation, supports that this variant does not alter protein structure/function; Has not been previously published as pathogenic or benign to our knowledge

Ambry Genetics
Classification: Likely benign for Hereditary cancer-predisposing syndrome. Last evaluated: 2018-07-27. Review status: criteria provided, single submitter. Criteria: Ambry Variant Classification Scheme 2023. Collection method: clinical testing. Allele origin: germline.

Women's Health and Genetics/Laboratory Corporation of America, LabCorp
Classification: Uncertain significance. Last evaluated: 2016-03-01. Review status: criteria provided, single submitter. Criteria: LabCorp Variant Classification Summary - May 2015. Collection method: clinical testing. Allele origin: germline.
Comment: Variant summary: The c.1838A>G in NBN gene is a missense variant that involves a non-conserved nucleotide and 5/5 in silico tools predict a benign outcome. 4/5 programs in Alamut predict that this variant does not affect normal splicing. ESEfinder predicts that this variant may create a novel site of SRp40. However, these predictions are not confirmed by experimental studies. The variant is present in the broad control population dataset of ExAC, exclusively in South Asian individuals at a frequency 0.12%, including 2 homozygous occurrences. Even though, this frequency does not exceed the maximum expected allele frequency for a pathogenic NBN variant (0.25%) the variant may be an ethnic-specific polymorphism. The variant has not, to our knowledge, been reported in affected individuals via peer-reviewed publications but has been cited by one diagnostic center as VUS. Taking together, the variant was classified as VUS-possibly benign, until additional information becomes available.

Department of Pathology and Laboratory Medicine, Sinai Health System
Classification: Likely benign. Review status: no assertion criteria provided. Collection method: clinical testing. Allele origin: unknown. Affected: yes. Study: The Canadian Open Genetics Repository (COGR). Not counted in ClinVar's aggregate classification.
Comment: The NBN p.Asn413Ser variant was not identified in the literature nor was it identified in the Cosmic, LOVD 3.0, or the Zhejiang University database. The variant was identified in dbSNP (ID: rs529340553) as "With Uncertain significance allele", and in ClinVar (4x Conflicting interpretations: Likely benign by Ambry Genetics and Invitae, Uncertain significance by GeneDx and Laboratory Corporation of America). The variant was identified in control databases in 38 of 246132 chromosomes (2 homozygous) at a frequency of 0.0002 (Genome Aggregation Database Feb 27, 2017). It was observed in the following populations: South Asian in 37 of 30776 chromosomes (freq: 0.001), and European Non-Finnish in 1 of 111628 chromosomes (freq: 0.000009); it was not observed in the African, Other, Latino, Ashkenazi Jewish, East Asian, and Finnish populations. The p.Asn413 residue is not conserved in mammals and computational analyses (PolyPhen-2, SIFT, AlignGVGD, BLOSUM, MutationTaster) do not suggest a high likelihood of impact to the protein; however, this information is not predictive enough to rule out pathogenicity. The variant occurs outside of the splicing consensus sequence and 1 of 5 in silico or computational prediction software programs (SpliceSiteFinder, MaxEntScan, NNSPLICE, GeneSplicer, HumanSpliceFinder) predict a greater than 10% difference in splicing; this is not very predictive of pathogenicity. The variant was identified with a co-occurring pathogenic variant in the BRCA1 (c.895_896del) gene in the context of hereditary breast cancer testing, increasing the likelihood this variant may not have clinical significance. In summary, based on the above information the clinical significance of this variant cannot be determined with certainty at this time although we would lean towards a more benign role for this variant. This variant is classified as likely benign.

Literature cited by the submitters: PubMed 33471991 (cited by Quest Diagnostics Nichols Institute San Juan Capistrano).

NM_002485.5(NBN):c.1238A>G (p.Asn413Ser)

Gene: NBN (nibrin; minus strand). Cytogenetic location: 8q21.3.
Variant type: single nucleotide variant.
Coding change: c.1238A>G on transcript NM_002485.5 (MANE Select); coding-DNA position 1238, A replaced by G.
Protein change: p.Asn413Ser; replaces asparagine 413 with serine.
Molecular consequence: missense variant.
Genome position (GRCh38, 1-based): chr8:89,955,442, T>C on the plus strand (A>G on the coding strand, the complement: NBN is on the minus strand). VCF-style: chr8-89955442-T-C. GRCh37 (hg19) VCF-style: chr8-90967670-T-C.
Other names: p.N413S:AAT>AGT; c.992A>G, p.Asn331Ser (NM_001024688.3); short protein forms N413S, N331S.
Identifiers: ClinVar variation 127857 (VCV000127857.26), dbSNP rs529340553, ClinGen allele CA287901.